The following is an entry in ClinVar:

ClinVar aggregate classification (germline): Likely benign. Review status: criteria provided, single submitter (1 of 4 stars). 2 submissions from 2 submitters: Likely benign (1). 1 of the submissions does not count toward it. Last evaluated 2024-11-18.

Conditions:
PLXNA2-related disorder. Also called: PLXNA2-related condition.

Allele frequency attached by ClinVar (database versions not stated): gnomAD 0.00002; ExAC 0.00003; gnomAD exomes 0.00003; TOPMed 0.00003.
gnomAD v4.1: 42 of 1,613,956 alleles (0.0026%); highest among the groups gnomAD compares: Non-Finnish European, 0.0022%; no homozygotes.

Submissions (2):

Labcorp Genetics (formerly Invitae), Labcorp
Classification: Likely benign. Last evaluated: 2024-11-18. Review status: criteria provided, single submitter. Criteria: Invitae Variant Classification Sherloc (09022015). Collection method: clinical testing. Allele origin: germline.

PreventionGenetics, part of Exact Sciences
Classification: Likely benign for PLXNA2-related condition. Last evaluated: 2023-06-19. Review status: no assertion criteria provided. Collection method: clinical testing. Allele origin: germline. Not counted in ClinVar's aggregate classification.
Comment: This variant is classified as likely benign based on ACMG/AMP sequence variant interpretation guidelines (Richards et al. 2015 PMID: 25741868, with internal and published modifications).

NM_025179.4(PLXNA2):c.1824G>A (p.Gly608=)

Gene: PLXNA2 (plexin A2; minus strand). Cytogenetic location: 1q32.2.
Variant type: single nucleotide variant.
Coding change: c.1824G>A on transcript NM_025179.4 (MANE Select); coding-DNA position 1824, G replaced by A.
Protein change: p.Gly608=; no amino-acid change (glycine 608 retained).
Molecular consequence: synonymous variant.
Genome position (GRCh38, 1-based): chr1:208,096,791, C>T on the plus strand (G>A on the coding strand, the complement: PLXNA2 is on the minus strand). VCF-style: chr1-208096791-C-T. GRCh37 (hg19) VCF-style: chr1-208270136-C-T.
Identifiers: ClinVar variation 3055143 (VCV003055143.4), dbSNP rs774408932, ClinGen allele CA1373713.